The following is an entry in ClinVar:

ClinVar aggregate classification (germline): Likely pathogenic (1 of 4 stars; one submission).

Conditions:
Autosomal dominant nonsyndromic hearing loss 65. Also called: Deafness, autosomal dominant 65; TBC1D24-Related Autosomal Dominant Nonsyndromic Hearing Loss (DFNA). Identifiers: Orphanet 90635, MedGen C3892048, MONDO:0014470, OMIM 616044.
Developmental and epileptic encephalopathy, 1 (DEE1). Also called: Epileptic encephalopathy, early infantile, 1; X-linked infantile spasms; West's syndrome; Tonic spasms with clustering, arrest of psychomotor development and hypsarrhythmia on EEG; X-Linked Infantile Spasm Syndrome; OHTAHARA SYNDROME, X-LINKED. Identifiers: MedGen C3463992, MONDO:0010632, OMIM 308350. Disease mechanism: loss of function.

gnomAD v4.1: 1 of 1,536,138 alleles (0.000065%); highest among the groups gnomAD compares: South Asian, 0.0012%; no homozygotes.

Submission:

Labcorp Genetics (formerly Invitae), Labcorp
Classification: Likely pathogenic for Developmental and epileptic encephalopathy, 1; Autosomal dominant nonsyndromic hearing loss 65. Last evaluated: 2022-09-01. Review status: criteria provided, single submitter. Criteria: Invitae Variant Classification Sherloc (09022015). Collection method: clinical testing. Allele origin: germline.
Comment: In summary, the currently available evidence indicates that the variant is pathogenic, but additional data are needed to prove that conclusively. Therefore, this variant has been classified as Likely Pathogenic. Algorithms developed to predict the effect of sequence changes on RNA splicing suggest that this variant may disrupt the consensus splice site. ClinVar contains an entry for this variant (Variation ID: 658011). This variant has not been reported in the literature in individuals affected with TBC1D24-related conditions. This variant is not present in population databases (gnomAD no frequency). This sequence change affects a donor splice site in intron 3 of the TBC1D24 gene. It is expected to disrupt RNA splicing. Variants that disrupt the donor or acceptor splice site typically lead to a loss of protein function (PMID: 16199547), and loss-of-function variants in TBC1D24 are known to be pathogenic (PMID: 23526554, 24291220).

Literature cited by the submitters: PubMed 16199547; PubMed 23526554; PubMed 24291220.

NM_001199107.2(TBC1D24):c.983+2T>C

Gene: TBC1D24 (TBC1 domain family member 24; plus strand). Cytogenetic location: 16p13.3.
Variant type: single nucleotide variant.
Coding change: c.983+2T>C on transcript NM_001199107.2 (MANE Select); the canonical splice donor site of the intron after coding-DNA position 983, T replaced by C.
Molecular consequence: splice donor variant. On other transcripts: intron variant (1).
Genome position (GRCh38, 1-based): chr16:2,497,729, T>C. VCF-style: chr16-2497729-T-C. GRCh37 (hg19) VCF-style: chr16-2547730-T-C.
Other names: c.966-509T>C (NM_020705.3).
Identifiers: ClinVar variation 658011 (VCV000658011.7), dbSNP rs1596969717, ClinGen allele CA394378362.